The following is an entry in ClinVar:

ClinVar aggregate classification (germline): Uncertain significance (1 of 4 stars; one submission).

Allele frequency attached by ClinVar (database versions not stated): TOPMed below 0.00001.

Submission:

Labcorp Genetics (formerly Invitae), Labcorp
Classification: Uncertain significance. Last evaluated: 2022-10-03. Review status: criteria provided, single submitter. Criteria: Invitae Variant Classification Sherloc (09022015). Collection method: clinical testing. Allele origin: germline.
Comment: In summary, the available evidence is currently insufficient to determine the role of this variant in disease. Therefore, it has been classified as a Variant of Uncertain Significance. Algorithms developed to predict the effect of missense changes on protein structure and function (SIFT, PolyPhen-2, Align-GVGD) all suggest that this variant is likely to be tolerated. This variant has not been reported in the literature in individuals affected with MRPS34-related conditions. This variant is not present in population databases (gnomAD no frequency). This sequence change replaces phenylalanine, which is neutral and non-polar, with leucine, which is neutral and non-polar, at codon 160 of the MRPS34 protein (p.Phe160Leu).

NM_023936.2(MRPS34):c.459C>G (p.Phe153Leu)

Gene: MRPS34 (mitochondrial ribosomal protein S34; minus strand). Cytogenetic location: 16p13.3.
Variant type: single nucleotide variant.
Coding change: c.459C>G on transcript NM_023936.2 (MANE Select); coding-DNA position 459, C replaced by G.
Protein change: p.Phe153Leu; replaces phenylalanine 153 with leucine.
Molecular consequence: missense variant.
Genome position (GRCh38, 1-based): chr16:1,772,419, G>C on the plus strand (C>G on the coding strand, the complement: MRPS34 is on the minus strand). VCF-style: chr16-1772419-G-C. GRCh37 (hg19) VCF-style: chr16-1822420-G-C.
Other names: c.480C>G, p.Phe160Leu (NM_001300900.2); short protein forms F153L, F160L.
Identifiers: ClinVar variation 1927529 (VCV001927529.5), dbSNP rs2042634163, ClinGen allele CA394243157.